The following is an entry in ClinVar:

NM_020822.3(KCNT1):c.1296C>G (p.Leu432=)

Gene: KCNT1 (potassium sodium-activated channel subfamily T member 1; plus strand). Cytogenetic location: 9q34.3.
Variant type: single nucleotide variant.
Coding change: c.1296C>G on transcript NM_020822.3 (MANE Select); coding-DNA position 1296, C replaced by G.
Protein change: p.Leu432=; no amino-acid change (leucine 432 retained).
Molecular consequence: synonymous variant.
Genome position (GRCh38, 1-based): chr9:135,765,719, C>G. VCF-style: chr9-135765719-C-G. GRCh37 (hg19) VCF-style: chr9-138657565-C-G.
Other names: c.1161C>G, p.Leu387= (NM_001272003.2).
Identifiers: ClinVar variation 391632 (VCV000391632.3), dbSNP rs1057524172, ClinGen allele CA16605596.

ClinVar aggregate classification (germline): Likely benign. Review status: criteria provided, multiple submitters, no conflicts (2 of 4 stars). 2 submissions from 2 submitters: Likely benign (2). Last evaluated 2024-05-29.

Conditions:
Developmental and epileptic encephalopathy, 14 (DEE14). Also called: Early infantile epileptic encephalopathy 14. Identifiers: Orphanet 293181, MedGen C3554195, MONDO:0013989, OMIM 614959.
Autosomal dominant nocturnal frontal lobe epilepsy 5. Also called: CILIARY DYSKINESIA, PRIMARY, 28, WITH SITUS INVERSUS; Epilepsy, nocturnal frontal lobe, 5; CILIARY DYSKINESIA, PRIMARY, 28, WITHOUT SITUS INVERSUS; KCNT1-Related Epilepsy. Identifiers: Orphanet 98784, MedGen C3554306, MONDO:0014002, OMIM 615005.

gnomAD v4.1: 1 of 1,610,100 alleles (0.000062%); highest among the groups gnomAD compares: Admixed American, 0.0017%; no homozygotes.

Submissions (2):

Labcorp Genetics (formerly Invitae), Labcorp
Classification: Likely benign for Autosomal dominant nocturnal frontal lobe epilepsy 5; Developmental and epileptic encephalopathy, 14. Last evaluated: 2024-05-29. Review status: criteria provided, single submitter. Criteria: Invitae Variant Classification Sherloc (09022015). Collection method: clinical testing. Allele origin: germline.

GeneDx
Classification: Likely benign. Last evaluated: 2016-12-07. Review status: criteria provided, single submitter. Criteria: GeneDx Variant Classification (06012015). Collection method: clinical testing. Allele origin: germline. Affected: yes.
Comment: This variant is considered likely benign or benign based on one or more of the following criteria: it is a conservative change, it occurs at a poorly conserved position in the protein, it is predicted to be benign by multiple in silico algorithms, and/or has population frequency not consistent with disease.